The following is an entry in ClinVar:

NM_006767.4(LZTR1):c.2343del (p.Asp781fs)

Gene: LZTR1 (leucine zipper like post translational regulator 1; plus strand). Cytogenetic location: 22q11.21.
Variant type: Deletion.
Coding change: c.2343del on transcript NM_006767.4 (MANE Select); coding-DNA position 2343, one base deleted (C; older notation c.2343delC).
Protein change: p.Asp781fs; shifts the reading frame from aspartic acid 781.
Molecular consequence: frameshift variant.
Genome position (GRCh38, 1-based): chr22:20,996,903, C deleted. VCF-style (leftmost placement, unchanged base first): chr22-20996902-AC-A. GRCh37 (hg19) VCF-style: chr22-21351191-AC-A.
Other names: short protein forms D781fs.
Identifiers: ClinVar variation 1789905 (VCV001789905.3), dbSNP rs2518626005, ClinGen allele CA2580099322.

ClinVar aggregate classification (germline): Likely pathogenic (1 of 4 stars; one submission).

Conditions:
Hereditary cancer-predisposing syndrome. Also called: Hereditary Cancer Syndrome; Hereditary neoplastic syndrome; Tumor predisposition; Neoplastic Syndromes, Hereditary. Identifiers: Orphanet 140162, MedGen C0027672, MeSH D009386, MONDO:0015356.
Cardiovascular phenotype. Identifiers: MedGen CN230736.

Allele frequency attached by ClinVar (database versions not stated): gnomAD exomes below 0.00001.

Submission:

Ambry Genetics
Classification: Likely pathogenic for Cardiovascular phenotype; Hereditary cancer-predisposing syndrome. Last evaluated: 2025-06-23. Review status: criteria provided, single submitter. Criteria: Ambry Variant Classification Scheme 2023. Collection method: clinical testing. Allele origin: germline.
Comment: The c.2343delC variant, located in coding exon 20 of the LZTR1 gene, results from a deletion of one nucleotide at nucleotide position 2343, causing a translational frameshift with a predicted alternate stop codon (p.D781Efs*8). This alteration occurs at the 3' terminus of theLZTR1 gene, is not expected to trigger nonsense-mediated mRNAdecay, and impacts the last 60 amino acids of the protein. However, premature stop codons are typically deleterious in nature, a significant portion of the protein is affected, and the impacted region is critical for protein function (Ambry internal data). This variant is considered to be rare based on population cohorts in the Genome Aggregation Database (gnomAD). Based on the supporting evidence, this variant is likely pathogenic for an increased risk of LZTR1-related schwannomatosis (SWN) and would be expected to cause autosomal recessive Noonan syndrome when present along with a second pathogenic or likely pathogenic variant on the other allele.

Literature cited by the submitters: PubMed 23999291.